The following is an entry in ClinVar:

ClinVar aggregate classification (germline): Uncertain significance. Review status: reviewed by expert panel (3 of 4 stars). 2 submissions from 2 submitters: Uncertain significance (1). 1 of the submissions does not count toward it. Last evaluated 2024-06-09.

Conditions:
Monogenic diabetes. Identifiers: Orphanet 183625, MedGen C3888631, MONDO:0015967.

Allele frequency attached by ClinVar (database versions not stated): ExAC 0.00002.
gnomAD v4.1: 14 of 1,614,010 alleles (0.00087%); highest among the groups gnomAD compares: Non-Finnish European, 0.0011%; no homozygotes.

Submissions (2):

ClinGen Monogenic Diabetes Variant Curation Expert Panel
Classification: Uncertain significance for Monogenic diabetes. Last evaluated: 2024-06-09. Review status: reviewed by expert panel. Criteria: ClinGen Diabetes ACMG Specifications HNF1A V2.1.0. Collection method: curation. Allele origin: germline. Inheritance: Autosomal dominant inheritance.
Comment: The c.1556C>G variant in the HNF1 homeobox A gene, HNF1A, causes an amino acid change of proline to arginine at codon 519 (p.(Pro519Arg)) of NM_000545.8. This variant is predicted to be deleterious by computational evidence, with a REVEL score of 0.881, which is greater than the MDEP VCEP threshold of 0.70 (PP3). The Grpmax filtering allele frequency of the c.1556C>G variant in gnomAD v2.1.1 is 0.000017, which falls between ClinGen MDEP-established cutoffs for PM2_Supporting and BS1; thus, neither criterion will be applied. This variant was identified in an individual with diabetes; however, the calculated MODY probability is <50% (internal lab contributors). This variant has been observed in unknown phase in three other individuals in with variants in GCK classified as pathogenic or likely pathogenic (BP5; internal lab contributors). Another missense variant, c.1556C>T p.Pro519Leu, has been interpreted as pathogenic by the ClinGen MDEP, and p.Pro519Arg has a greater Grantham distance (PM5). In summary, c.1556C>G meets the criteria to be classified as a variant of uncertain significance for monogenic diabetes. ACMG/AMP criteria applied, as specified by the ClinGen MDEP (specification version 2.1.1 approved 8/11/2023): PM5, BP5, PP3.

Labcorp Genetics (formerly Invitae), Labcorp
Classification: Uncertain significance. Last evaluated: 2023-07-07. Review status: criteria provided, single submitter. Criteria: Invitae Variant Classification Sherloc (09022015). Collection method: clinical testing. Allele origin: germline. Not counted in ClinVar's aggregate classification.
Comment: In summary, the available evidence is currently insufficient to determine the role of this variant in disease. Therefore, it has been classified as a Variant of Uncertain Significance. This variant disrupts the p.Pro519 amino acid residue in HNF1A. Other variant(s) that disrupt this residue have been observed in individuals with HNF1A-related conditions (PMID: 9075818, 30293189; Invitae), which suggests that this may be a clinically significant amino acid residue. Algorithms developed to predict the effect of sequence changes on RNA splicing suggest that this variant may disrupt the consensus splice site. Advanced modeling of protein sequence and biophysical properties (such as structural, functional, and spatial information, amino acid conservation, physicochemical variation, residue mobility, and thermodynamic stability) performed at Invitae indicates that this missense variant is not expected to disrupt HNF1A protein function. This variant has not been reported in the literature in individuals affected with HNF1A-related conditions. This variant is present in population databases (rs749673816, gnomAD 0.004%). This sequence change replaces proline, which is neutral and non-polar, with arginine, which is basic and polar, at codon 519 of the HNF1A protein (p.Pro519Arg).

Literature cited by the submitters: PubMed 9075818 (cited by Labcorp Genetics (formerly Invitae), Labcorp); PubMed 30293189 (cited by Labcorp Genetics (formerly Invitae), Labcorp).

NM_000545.8(HNF1A):c.1556C>G (p.Pro519Arg)

Gene: HNF1A (HNF1 homeobox A; plus strand). Cytogenetic location: 12q24.31.
Variant type: single nucleotide variant.
Coding change: c.1556C>G on transcript NM_000545.8 (MANE Select); coding-DNA position 1556, C replaced by G.
Protein change: p.Pro519Arg; replaces proline 519 with arginine.
Molecular consequence: missense variant.
Genome position (GRCh38, 1-based): chr12:120,999,322, C>G. VCF-style: chr12-120999322-C-G. GRCh37 (hg19) VCF-style: chr12-121437125-C-G.
Other names: NM_001306179.2:c.1556C>G; c.1556C>G, p.Pro519Arg (NM_001306179.2); c.1364C>G, p.Pro455Arg (NM_001406915.1); short protein forms P455R, P519R.
Identifiers: ClinVar variation 2916089 (VCV002916089.4), dbSNP rs749673816, ClinGen allele CA6832109.